The following is an entry in ClinVar:

NM_004990.4(MARS1):c.1717G>A (p.Asp573Asn)

Gene: MARS1 (methionyl-tRNA synthetase 1; plus strand). Cytogenetic location: 12q13.3.
Variant type: single nucleotide variant.
Coding change: c.1717G>A on transcript NM_004990.4 (MANE Select); coding-DNA position 1717, G replaced by A.
Protein change: p.Asp573Asn; replaces aspartic acid 573 with asparagine.
Molecular consequence: missense variant.
Genome position (GRCh38, 1-based): chr12:57,512,317, G>A. VCF-style: chr12-57512317-G-A. GRCh37 (hg19) VCF-style: chr12-57906100-G-A.
Other names: short protein forms D573N.
Identifiers: ClinVar variation 811891 (VCV000811891.8), dbSNP rs1594833103, ClinGen allele CA385462567.

ClinVar aggregate classification (germline): Uncertain significance (1 of 4 stars; one submission).

Allele frequency attached by ClinVar (database versions not stated): gnomAD exomes below 0.00001.
gnomAD v4.1: 1 of 1,614,112 alleles (0.000062%); highest among the groups gnomAD compares: Non-Finnish European, 0.000085%; no homozygotes.

Submission:

ARUP Laboratories, Molecular Genetics and Genomics, ARUP Laboratories
Classification: Uncertain significance. Last evaluated: 2019-02-11. Review status: criteria provided, single submitter. Criteria: ARUP Molecular Germline Variant Investigation Process. Collection method: clinical testing. Allele origin: germline.
Comment: The MARS: c.1717G>A; p.Asp573Asn variant, to our knowledge, has not been reported in the medical literature or gene specific databases. It is also absent from general population databases (1000 Genomes Project, Exome Variant Server, and Genome Aggregation Database), indicating it is not a common polymorphism. The aspartic acid at codon 573 is highly conserved and computational analyses (SIFT, PolyPhen-2) predict that this variant is deleterious. However, based on the available information, the clinical significance of this variant is uncertain.